The following is an entry in ClinVar:

ClinVar aggregate classification (germline): Pathogenic. Review status: criteria provided, single submitter (1 of 4 stars). 2 submissions from 2 submitters: Pathogenic (1). 1 of the submissions does not count toward it. Last evaluated 2022-09-23.

Conditions:
Early-onset progressive encephalopathy-hearing loss-pons hypoplasia-brain atrophy syndrome. Also called: ENCEPHALOPATHY, PROGRESSIVE, EARLY-ONSET, WITH BRAIN ATROPHY AND SPASTICITY. Identifiers: Orphanet 500144, MedGen C5567229, MONDO:0044696, OMIM 617669.

Allele frequency attached by ClinVar (database versions not stated): gnomAD exomes 0.00001; ExAC 0.00002.
gnomAD v4.1: 10 of 870,950 alleles (0.0011%); highest among the groups gnomAD compares: East Asian, 0.0024%; no homozygotes.

Submissions (3):

Labcorp Genetics (formerly Invitae), Labcorp
Classification: Pathogenic. Last evaluated: 2022-09-23. Review status: criteria provided, single submitter. Criteria: Invitae Variant Classification Sherloc (09022015). Collection method: clinical testing. Allele origin: germline.
Comment: This sequence change falls in intron 8 of the TRAPPC12 gene. It does not directly change the encoded amino acid sequence of the TRAPPC12 protein. RNA analysis indicates that this variant induces altered splicing and may result in an absent or disrupted protein product. This variant is present in population databases (rs772333765, gnomAD 0.006%). This variant has been observed in individual(s) with clinical features of TRAPPC12-related conditions (PMID: 32347653). In at least one individual the data is consistent with being in trans (on the opposite chromosome) from a pathogenic variant. It has also been observed to segregate with disease in related individuals. Variants that disrupt the consensus splice site are a relatively common cause of aberrant splicing (PMID: 17576681, 9536098). Studies have shown that this variant results in skipping of exon 8 and introduces a premature termination codon (PMID: 32347653). The resulting mRNA is expected to undergo nonsense-mediated decay. For these reasons, this variant has been classified as Pathogenic.

Clinical Genetics Laboratory, University Hospital Schleswig-Holstein
Classification: Likely pathogenic for Early-onset progressive encephalopathy-hearing loss-pons hypoplasia-brain atrophy syndrome. Last evaluated: 2021-12-01. Review status: no assertion criteria provided. Collection method: clinical testing. Allele origin: germline. Affected: yes. Not counted in ClinVar's aggregate classification.

Dr. Peter K. Rogan Lab, Western University
No classification provided (evidence only). Condition: Gastric cancer. Review status: no classification provided. Collection method: in vitro. Allele origin: not applicable. Functional consequence: retained intron. Not counted in ClinVar's aggregate classification.

Literature cited by the submitters: PubMed 32347653 (cited by Labcorp Genetics (formerly Invitae), Labcorp); PubMed 17576681 (cited by Labcorp Genetics (formerly Invitae), Labcorp); PubMed 9536098 (cited by Labcorp Genetics (formerly Invitae), Labcorp).

NM_016030.6(TRAPPC12):c.1677+5G>A

Gene: TRAPPC12 (trafficking protein particle complex subunit 12; plus strand). Cytogenetic location: 2p25.3.
Variant type: single nucleotide variant.
Coding change: c.1677+5G>A on transcript NM_016030.6 (MANE Select); 5 bases into the intron after coding-DNA position 1677, G replaced by A.
Molecular consequence: intron variant.
Genome position (GRCh38, 1-based): chr2:3,460,341, G>A. VCF-style: chr2-3460341-G-A. GRCh37 (hg19) VCF-style: chr2-3464112-G-A.
Other names: c.1677+5G>A (NM_001321102.2).
Identifiers: ClinVar variation 1710180 (VCV001710180.8), dbSNP rs772333765, ClinGen allele CA1515559.